The following is an entry in ClinVar:

ClinVar aggregate classification (germline): Uncertain significance (1 of 4 stars; one submission).

Conditions:
Congenital contractural arachnodactyly (CCA). Also called: Beals-Hecht syndrome; BEALS SYNDROME; Arthrogryposis, distal, type 9. Identifiers: Orphanet 115, MedGen C0220668, MONDO:0007363, OMIM 121050.

gnomAD v4.1: 2 of 1,614,178 alleles (0.00012%); highest among the groups gnomAD compares: Non-Finnish European, 0.00017%; no homozygotes.

Submission:

Labcorp Genetics (formerly Invitae), Labcorp
Classification: Uncertain significance for Congenital contractural arachnodactyly. Last evaluated: 2025-03-20. Review status: criteria provided, single submitter. Criteria: Invitae Variant Classification Sherloc (09022015). Collection method: clinical testing. Allele origin: germline.
Comment: This sequence change replaces asparagine, which is neutral and polar, with tyrosine, which is neutral and polar, at codon 910 of the FBN2 protein (p.Asn910Tyr). This variant is not present in population databases (gnomAD no frequency). This variant has not been reported in the literature in individuals affected with FBN2-related conditions. Invitae Evidence Modeling of protein sequence and biophysical properties (such as structural, functional, and spatial information, amino acid conservation, physicochemical variation, residue mobility, and thermodynamic stability) indicates that this missense variant is expected to disrupt FBN2 protein function with a positive predictive value of 80%. In summary, the available evidence is currently insufficient to determine the role of this variant in disease. Therefore, it has been classified as a Variant of Uncertain Significance.

NM_001999.4(FBN2):c.2728A>T (p.Asn910Tyr)

Gene: FBN2 (fibrillin 2; minus strand). Cytogenetic location: 5q23.3.
Variant type: single nucleotide variant.
Coding change: c.2728A>T on transcript NM_001999.4 (MANE Select); coding-DNA position 2728, A replaced by T.
Protein change: p.Asn910Tyr; replaces asparagine 910 with tyrosine.
Molecular consequence: missense variant.
Genome position (GRCh38, 1-based): chr5:128,350,952, T>A on the plus strand (A>T on the coding strand, the complement: FBN2 is on the minus strand). VCF-style: chr5-128350952-T-A. GRCh37 (hg19) VCF-style: chr5-127686644-T-A.
Other names: short protein forms N910Y.
Identifiers: ClinVar variation 4736920 (VCV004736920.1).